The following is an entry in ClinVar:

ClinVar aggregate classification (germline): Benign/Likely benign. Review status: criteria provided, multiple submitters, no conflicts (2 of 4 stars). 4 submissions from 4 submitters: Benign (1); Likely benign (2). 1 of the submissions does not count toward it. Last evaluated 2026-01-06.

Conditions:
COL1A1-related disorder. Also called: COL1A1-related condition; COL1A1- related disease.
Osteogenesis imperfecta type I (OI1). Also called: OI, TYPE I; OSTEOGENESIS IMPERFECTA TARDA; OSTEOGENESIS IMPERFECTA WITH BLUE SCLERAE; Osteogenesis imperfecta type 1; Classic Non-deforming Osteogenesis Imperfecta with Blue Sclerae; Lobstein's Disease. Identifiers: Orphanet 216796, Orphanet 666, MedGen C0023931, MONDO:0008146, OMIM 166200. Disease mechanism: loss of function.

Allele frequency attached by ClinVar (database versions not stated): gnomAD exomes 0.00005 and 0.00014; ExAC 0.00026; ESP Exome Variant Server 0.00039; gnomAD 0.00052 and 0.00054; TOPMed 0.00063; 1000 Genomes Project 0.00120; 1000 Genomes Project 30x 0.00125.
gnomAD v4.1: 153 of 1,564,204 alleles (0.0098%); highest among the groups gnomAD compares: African/African-American, 0.19%; no homozygotes.

Submissions (4):

Labcorp Genetics (formerly Invitae), Labcorp
Classification: Likely benign for Osteogenesis imperfecta type I. Last evaluated: 2026-01-06. Review status: criteria provided, single submitter. Criteria: Invitae Variant Classification Sherloc (09022015). Collection method: clinical testing. Allele origin: germline.

Women's Health and Genetics/Laboratory Corporation of America, LabCorp
Classification: Benign. Last evaluated: 2025-04-30. Review status: criteria provided, single submitter. Criteria: LabCorp Variant Classification Summary - May 2015. Collection method: clinical testing. Allele origin: germline.
Comment: Variant summary: COL1A1 c.1461+7G>A alters a conserved nucleotide located at a position not widely known to affect splicing. Consensus agreement among computation tools predict no significant impact on normal splicing. However, these predictions have yet to be confirmed by functional studies. The variant allele was found at a frequency of 0.00014 in 174920 control chromosomes. The observed variant frequency is approximately 4.88 fold of the estimated maximal expected allele frequency for a pathogenic variant in COL1A1 causing Osteogenesis Imperfecta phenotype (2.8e-05). To our knowledge, no occurrence of c.1461+7G>A in individuals affected with Osteogenesis Imperfecta and no experimental evidence demonstrating its impact on protein function have been reported. ClinVar contains an entry for this variant (Variation ID: 456735). Based on the evidence outlined above, the variant was classified as benign.

Blueprint Genetics
Classification: Likely benign. Last evaluated: 2022-07-08. Review status: criteria provided, single submitter. Criteria: ACMG Guidelines, 2015. Collection method: clinical testing. Allele origin: germline.

PreventionGenetics, part of Exact Sciences
Classification: Likely benign for COL1A1-related condition. Last evaluated: 2024-04-05. Review status: no assertion criteria provided. Collection method: clinical testing. Allele origin: germline. Not counted in ClinVar's aggregate classification.
Comment: This variant is classified as likely benign based on ACMG/AMP sequence variant interpretation guidelines (Richards et al. 2015 PMID: 25741868, with internal and published modifications).

NM_000088.4(COL1A1):c.1461+7G>A

Gene: COL1A1 (collagen type I alpha 1 chain; minus strand). Cytogenetic location: 17q21.33.
Variant type: single nucleotide variant.
Coding change: c.1461+7G>A on transcript NM_000088.4 (MANE Select); 7 bases into the intron after coding-DNA position 1461, G replaced by A.
Molecular consequence: intron variant.
Genome position (GRCh38, 1-based): chr17:50,194,714, C>T on the plus strand (G>A on the coding strand, the complement: COL1A1 is on the minus strand). VCF-style: chr17-50194714-C-T. GRCh37 (hg19) VCF-style: chr17-48272075-C-T.
Identifiers: ClinVar variation 456735 (VCV000456735.14), dbSNP rs374268357, ClinGen allele CA8645251.